The following is an entry in ClinVar:

ClinVar aggregate classification (germline): Uncertain significance (1 of 4 stars; one submission).

Conditions:
EGFR-related lung cancer (EGFR). Identifiers: MedGen CN130014.

Allele frequency attached by ClinVar (database versions not stated): gnomAD exomes 0.00001; ExAC 0.00002.
gnomAD v4.1: 4 of 1,614,196 alleles (0.00025%); highest among the groups gnomAD compares: Non-Finnish European, 0.00034%; no homozygotes.

Submission:

Labcorp Genetics (formerly Invitae), Labcorp
Classification: Uncertain significance for EGFR-related lung cancer. Last evaluated: 2024-01-17. Review status: criteria provided, single submitter. Criteria: Invitae Variant Classification Sherloc (09022015). Collection method: clinical testing. Allele origin: germline.
Comment: This sequence change replaces valine, which is neutral and non-polar, with leucine, which is neutral and non-polar, at codon 902 of the EGFR protein (p.Val902Leu). This variant is present in population databases (rs779015469, gnomAD 0.003%). This variant has not been reported in the literature in individuals affected with EGFR-related conditions. An algorithm developed to predict the effect of missense changes on protein structure and function (PolyPhen-2) suggests that this variant is likely to be disruptive. In summary, the available evidence is currently insufficient to determine the role of this variant in disease. Therefore, it has been classified as a Variant of Uncertain Significance.

NM_005228.5(EGFR):c.2704G>T (p.Val902Leu)

Gene: EGFR (epidermal growth factor receptor; plus strand). Cytogenetic location: 7p11.2.
Variant type: single nucleotide variant.
Coding change: c.2704G>T on transcript NM_005228.5 (MANE Select); coding-DNA position 2704, G replaced by T.
Protein change: p.Val902Leu; replaces valine 902 with leucine.
Molecular consequence: missense variant.
Genome position (GRCh38, 1-based): chr7:55,198,719, G>T. VCF-style: chr7-55198719-G-T. GRCh37 (hg19) VCF-style: chr7-55266412-G-T.
Other names: c.2569G>T, p.Val857Leu (NM_001346897.2, NM_001346899.2); c.2704G>T, p.Val902Leu (NM_001346898.2); c.2545G>T, p.Val849Leu (NM_001346900.2); c.1903G>T, p.Val635Leu (NM_001346941.2); short protein forms V635L, V849L, V902L, V857L.
Identifiers: ClinVar variation 2857138 (VCV002857138.3), dbSNP rs779015469, ClinGen allele CA4266166.